The following is an entry in ClinVar:

NM_004304.5(ALK):c.2977G>C (p.Asp993His)

Gene: ALK (ALK receptor tyrosine kinase; minus strand). Cytogenetic location: 2p23.2.
Variant type: single nucleotide variant.
Coding change: c.2977G>C on transcript NM_004304.5 (MANE Select); coding-DNA position 2977, G replaced by C.
Protein change: p.Asp993His; replaces aspartic acid 993 with histidine.
Molecular consequence: missense variant.
Genome position (GRCh38, 1-based): chr2:29,227,012, C>G on the plus strand (G>C on the coding strand, the complement: ALK is on the minus strand). VCF-style: chr2-29227012-C-G. GRCh37 (hg19) VCF-style: chr2-29449878-C-G.
Other names: short protein forms D993H.
Identifiers: ClinVar variation 2159337 (VCV002159337.4), dbSNP rs2148178548, ClinGen allele CA346467774.

ClinVar aggregate classification (germline): Uncertain significance (1 of 4 stars; one submission).

Conditions:
Neuroblastoma, susceptibility to, 3. Also called: ALK-Related Neuroblastic Tumor Susceptibility. Identifiers: Orphanet 635, MedGen C2751681, MONDO:0013083, OMIM 613014.

Submission:

Labcorp Genetics (formerly Invitae), Labcorp
Classification: Uncertain significance for Neuroblastoma, susceptibility to, 3. Last evaluated: 2022-05-14. Review status: criteria provided, single submitter. Criteria: Invitae Variant Classification Sherloc (09022015). Collection method: clinical testing. Allele origin: germline.
Comment: This sequence change replaces aspartic acid, which is acidic and polar, with histidine, which is basic and polar, at codon 993 of the ALK protein (p.Asp993His). This variant is not present in population databases (gnomAD no frequency). In summary, the available evidence is currently insufficient to determine the role of this variant in disease. Therefore, it has been classified as a Variant of Uncertain Significance. Algorithms developed to predict the effect of missense changes on protein structure and function are either unavailable or do not agree on the potential impact of this missense change (SIFT: "Deleterious"; PolyPhen-2: "Probably Damaging"; Align-GVGD: "Class C0"). This variant has not been reported in the literature in individuals affected with ALK-related conditions.